The following is an entry in ClinVar:

NM_001127198.5(TMC6):c.1978G>A (p.Ala660Thr)

Gene: TMC6 (transmembrane channel like 6; minus strand). Cytogenetic location: 17q25.3.
Variant type: single nucleotide variant.
Coding change: c.1978G>A on transcript NM_001127198.5 (MANE Select); coding-DNA position 1978, G replaced by A.
Protein change: p.Ala660Thr; replaces alanine 660 with threonine.
Molecular consequence: missense variant. On other transcripts: non-coding transcript variant (4).
Genome position (GRCh38, 1-based): chr17:78,117,845, C>T on the plus strand (G>A on the coding strand, the complement: TMC6 is on the minus strand). VCF-style: chr17-78117845-C-T. GRCh37 (hg19) VCF-style: chr17-76113926-C-T.
Other names: c.1978G>A, p.Ala660Thr (NM_001321185.1, NM_001374596.1, NM_001375353.1 and 2 more transcripts); c.1798G>A, p.Ala600Thr (NM_001374593.1, NM_001374594.1); short protein forms A600T, A660T.
Identifiers: ClinVar variation 2179110 (VCV002179110.3), dbSNP rs1262702881, ClinGen allele CA401225837.
Genomic context (GRCh38, chr17:78,117,845, plus strand): 5'-CCACCCGCCCCACTCACTGCCAGACGGCGTAGCAGAGGAAGACAGCGGCGCCCAGGAAGG[C>T]GGGGAAGCAGAGCAGCGTGAGGAAGACGGTGCTCATGTGTGAGGCCAGCCAGGGCCGGCG-3'
Protein context (NP_001120670.1, residues 650-670): TVFLTLLCFP[Ala660Thr]FLGAAVFLCY

ClinVar aggregate classification (germline): Uncertain significance. Review status: criteria provided, multiple submitters, no conflicts (2 of 4 stars). 2 submissions from 2 submitters: Uncertain significance (2). Last evaluated 2024-12-10.

Conditions:
Epidermodysplasia verruciformis. Identifiers: Orphanet 302, MedGen C0014522, MONDO:0009176.
Inborn genetic diseases. Identifiers: MedGen C0950123, MeSH D030342.

Allele frequency attached by ClinVar (database versions not stated): gnomAD exomes below 0.00001; gnomAD 0.00001.
gnomAD v4.1: 7 of 1,607,934 alleles (0.00044%); highest among the groups gnomAD compares: Non-Finnish European, 0.00051%; no homozygotes.

Submissions (2):

Ambry Genetics
Classification: Uncertain significance for Inborn genetic diseases. Last evaluated: 2024-12-10. Review status: criteria provided, single submitter. Criteria: Ambry Variant Classification Scheme 2023. Collection method: clinical testing. Allele origin: germline.

Labcorp Genetics (formerly Invitae), Labcorp
Classification: Uncertain significance for Epidermodysplasia verruciformis. Last evaluated: 2024-10-08. Review status: criteria provided, single submitter. Criteria: Invitae Variant Classification Sherloc (09022015). Collection method: clinical testing. Allele origin: germline.
Comment: This sequence change replaces alanine, which is neutral and non-polar, with threonine, which is neutral and polar, at codon 660 of the TMC6 protein (p.Ala660Thr). The frequency data for this variant in the population databases is considered unreliable, as metrics indicate poor data quality at this position in the gnomAD database. This variant has not been reported in the literature in individuals affected with TMC6-related conditions. ClinVar contains an entry for this variant (Variation ID: 2179110). An algorithm developed to predict the effect of missense changes on protein structure and function (PolyPhen-2) suggests that this variant¬†is likely to be tolerated. In summary, the available evidence is currently insufficient to determine the role of this variant in disease. Therefore, it has been classified as a Variant of Uncertain Significance.